The following is an entry in ClinVar:

ClinVar aggregate classification (germline): Pathogenic (1 of 4 stars; one submission).

Conditions:
Congenital hyperammonemia, type I. Also called: CPS I DEFICIENCY; Carbamoyl phosphate synthetase 1 deficiency; Hyperammonemia due to carbamoyl phosphate synthetase 1 deficiency; CPS 1 deficiency; Carbamyl phosphate synthetase (CPS) deficiency; Carbamoyl phosphate synthetase I deficiency disease. Identifiers: Orphanet 147, MedGen C4082171, MONDO:0009376, OMIM 237300.

Submission:

Myriad Genetics, Inc.
Classification: Pathogenic for Congenital hyperammonemia, type I. Last evaluated: 2024-06-18. Review status: criteria provided, single submitter. Criteria: Myriad Autosomal Dominant, Autosomal Recessive and X-Linked Classification Criteria (2023). Collection method: clinical testing. Allele origin: unknown.
Comment: NM_001875.4(CPS1):c.1622_1626del5(I541Sfs*11) is expected to be pathogenic in the context of carbamoylphosphate synthetase I deficiency. This variant is predicted to lead to an abnormal or absent protein product due to the creation of a premature termination codon in CPS1, a gene where loss-of-function variants are known to be pathogenic. Please note: this variant was assessed in the context of healthy population screening.

NM_001875.5(CPS1):c.1622_1626del (p.Ile541fs)

Gene: CPS1 (carbamoyl-phosphate synthase 1; plus strand). Cytogenetic location: 2q34.
Variant type: Deletion.
Coding change: c.1622_1626del on transcript NM_001875.5 (MANE Select); coding-DNA positions 1622 to 1626, 5 bases deleted (TTATG; older notation c.1622_1626delTTATG).
Protein change: p.Ile541fs; shifts the reading frame from isoleucine 541.
Molecular consequence: frameshift variant. On other transcripts: non-coding transcript variant (2).
Genome position (GRCh38, 1-based): chr2:210,600,627-210,600,631, TTATG deleted. VCF-style (leftmost placement, unchanged base first): chr2-210600626-ATTATG-A. GRCh37 (hg19) VCF-style: chr2-211465350-ATTATG-A.
Other names: c.1622_1626del, p.Ile541fs (NM_001122633.3, NM_001369257.1); c.1655_1659del, p.Ile552fs (NM_001369256.1); short protein forms I541fs, I552fs.
Identifiers: ClinVar variation 5013198 (VCV005013198.1).